The following is an entry in ClinVar:

NM_032271.3(TRAF7):c.546G>A (p.Gly182=)

Gene: TRAF7 (TNF receptor associated factor 7; plus strand). Cytogenetic location: 16p13.3.
Variant type: single nucleotide variant.
Coding change: c.546G>A on transcript NM_032271.3 (MANE Select); coding-DNA position 546, G replaced by A.
Protein change: p.Gly182=; no amino-acid change (glycine 182 retained).
Molecular consequence: synonymous variant.
Genome position (GRCh38, 1-based): chr16:2,172,261, G>A. VCF-style: chr16-2172261-G-A. GRCh37 (hg19) VCF-style: chr16-2222262-G-A.
Other names: c.546G>A (NM_032271.2).
Identifiers: ClinVar variation 2646044 (VCV002646044.26), dbSNP rs371460998, ClinGen allele CA7834649.

ClinVar aggregate classification (germline): Benign/Likely benign. Review status: criteria provided, multiple submitters, no conflicts (2 of 4 stars). 3 submissions from 3 submitters: Benign (1); Likely benign (1). 1 of the submissions does not count toward it. Last evaluated 2025-02-16.

Conditions:
TRAF7-related disorder. Also called: TRAF7-related condition.

Allele frequency attached by ClinVar (database versions not stated): ExAC 0.00008; TOPMed 0.00009; gnomAD 0.00010; ESP Exome Variant Server 0.00015; gnomAD exomes 0.00021.
gnomAD v4.1: 314 of 1,612,870 alleles (0.019%); highest among the groups gnomAD compares: Non-Finnish European, 0.024%; no homozygotes.

Submissions (3):

Laboratory of Genetics, Children's Clinical University Hospital Latvia
Classification: Benign. Last evaluated: 2025-02-16. Review status: criteria provided, single submitter. Criteria: ACMG Guidelines, 2015. Collection method: clinical testing. Allele origin: germline. Affected: yes.

CeGaT Center for Human Genetics Tuebingen
Classification: Likely benign. Last evaluated: 2023-04-01. Review status: criteria provided, single submitter. Criteria: CeGaT Center For Human Genetics Tuebingen Variant Classification Criteria Version 2. Collection method: clinical testing. Allele origin: germline. Affected: yes. Observed: 1 variant allele.
Comment: TRAF7: BP4, BP7

PreventionGenetics, part of Exact Sciences
Classification: Likely benign for TRAF7-related condition. Last evaluated: 2019-09-23. Review status: no assertion criteria provided. Collection method: clinical testing. Allele origin: germline. Not counted in ClinVar's aggregate classification.
Comment: This variant is classified as likely benign based on ACMG/AMP sequence variant interpretation guidelines (Richards et al. 2015 PMID: 25741868, with internal and published modifications).